The following is an entry in ClinVar:

NM_001164508.2(NEB):c.16637G>A (p.Arg5546His)

Gene: NEB (nebulin; minus strand). Cytogenetic location: 2q23.3.
Variant type: single nucleotide variant.
Coding change: c.16637G>A on transcript NM_001164508.2 (MANE Select); coding-DNA position 16637, G replaced by A.
Protein change: p.Arg5546His; replaces arginine 5546 with histidine.
Molecular consequence: missense variant. On other transcripts: intron variant (1).
Genome position (GRCh38, 1-based): chr2:151,579,405, C>T on the plus strand (G>A on the coding strand, the complement: NEB is on the minus strand). VCF-style: chr2-151579405-C-T. GRCh37 (hg19) VCF-style: chr2-152435919-C-T.
Other names: c.16637G>A, p.Arg5546His (NM_001164507.2, NM_001271208.2); c.11602-3051G>A (NM_004543.5); short protein forms R5546H.
Identifiers: ClinVar variation 257765 (VCV000257765.6), dbSNP rs201111610, ClinGen allele CA10586757.

ClinVar aggregate classification (germline): Conflicting classifications of pathogenicity. Review status: criteria provided, conflicting classifications (1 of 4 stars). 6 submissions from 6 submitters: Uncertain significance (1); Benign (1); Likely benign (2). 2 of the submissions do not count toward it. Last evaluated 2024-11-23.

Conditions:
Peripheral neuropathy. Also called: Neuropathy. Identifiers: MedGen C0031117, MONDO:0005244, HP:0009830.

Allele frequency attached by ClinVar (database versions not stated): gnomAD exomes 0.00092.

Submissions (6):

Blueprint Genetics
Classification: Likely benign. Last evaluated: 2024-11-23. Review status: criteria provided, single submitter. Criteria: ACMG Guidelines, 2015. Collection method: clinical testing. Allele origin: germline.

GeneDx
Classification: Likely benign. Last evaluated: 2021-03-29. Review status: criteria provided, single submitter. Criteria: GeneDx Variant Classification Process June 2021. Collection method: clinical testing. Allele origin: germline. Affected: yes.
Comment: This variant is associated with the following publications: (PMID: 25203624)

Claritas Genomics
Classification: Uncertain significance for Peripheral neuropathy. Last evaluated: 2016-08-22. Review status: criteria provided, single submitter. Criteria: ACMG Guidelines, 2015. Collection method: clinical testing. Allele origin: germline. Affected: yes.

PreventionGenetics, part of Exact Sciences
Classification: Benign. Last evaluated: 2016-01-22. Review status: criteria provided, single submitter. Criteria: ACMG Guidelines, 2015. Collection method: clinical testing. Allele origin: germline.

Clinical Genetics DNA and cytogenetics Diagnostics Lab, Erasmus MC, Erasmus Medical Center
Classification: Likely benign. Review status: no assertion criteria provided. Collection method: clinical testing. Allele origin: germline. Affected: yes. Study: VKGL Data-share Consensus. Not counted in ClinVar's aggregate classification.

Genome Diagnostics Laboratory, University Medical Center Utrecht
Classification: Likely benign. Review status: no assertion criteria provided. Collection method: clinical testing. Allele origin: germline. Affected: yes. Study: VKGL Data-share Consensus. Not counted in ClinVar's aggregate classification.